The following is an entry in ClinVar:

ClinVar aggregate classification (germline): Uncertain significance. Review status: criteria provided, multiple submitters, no conflicts (2 of 4 stars). 2 submissions from 2 submitters: Uncertain significance (2). Last evaluated 2025-09-27.

Conditions:
Hypertrophic cardiomyopathy. Also called: HYPERTROPHIC MYOCARDIOPATHY. Identifiers: Orphanet 217569, MedGen C0007194, MeSH D002312, MONDO:0005045, HP:0001639.
Cardiovascular phenotype. Identifiers: MedGen CN230736.

Allele frequency attached by ClinVar (database versions not stated): gnomAD exomes below 0.00001; TOPMed 0.00001.
gnomAD v4.1: 2 of 1,614,044 alleles (0.00012%); highest among the groups gnomAD compares: Admixed American, 0.0017%; no homozygotes.

Submissions (2):

Ambry Genetics
Classification: Uncertain significance for Cardiovascular phenotype. Last evaluated: 2025-09-27. Review status: criteria provided, single submitter. Criteria: Ambry Variant Classification Scheme 2023. Collection method: clinical testing. Allele origin: germline.

Labcorp Genetics (formerly Invitae), Labcorp
Classification: Uncertain significance for Hypertrophic cardiomyopathy. Last evaluated: 2025-06-11. Review status: criteria provided, single submitter. Criteria: Invitae Variant Classification Sherloc (09022015). Collection method: clinical testing. Allele origin: germline.
Comment: This sequence change replaces methionine, which is neutral and non-polar, with valine, which is neutral and non-polar, at codon 87 of the MYOZ2 protein (p.Met87Val). This variant is not present in population databases (gnomAD no frequency). This variant has not been reported in the literature in individuals affected with MYOZ2-related conditions. ClinVar contains an entry for this variant (Variation ID: 1438898). Invitae Evidence Modeling of protein sequence and biophysical properties (such as structural, functional, and spatial information, amino acid conservation, physicochemical variation, residue mobility, and thermodynamic stability) indicates that this missense variant is not expected to disrupt MYOZ2 protein function with a negative predictive value of 80%. In summary, the available evidence is currently insufficient to determine the role of this variant in disease. Therefore, it has been classified as a Variant of Uncertain Significance.

NM_016599.5(MYOZ2):c.259A>G (p.Met87Val)

Gene: MYOZ2 (myozenin 2; plus strand). Cytogenetic location: 4q26.
Variant type: single nucleotide variant.
Coding change: c.259A>G on transcript NM_016599.5 (MANE Select); coding-DNA position 259, A replaced by G.
Protein change: p.Met87Val; replaces methionine 87 with valine.
Molecular consequence: missense variant.
Genome position (GRCh38, 1-based): chr4:119,158,034, A>G. VCF-style: chr4-119158034-A-G. GRCh37 (hg19) VCF-style: chr4-120079189-A-G.
Other names: c.259A>G (NM_016599.4); short protein forms M87V.
Identifiers: ClinVar variation 1438898 (VCV001438898.7), dbSNP rs1741621672, ClinGen allele CA358203806.